The following is an entry in ClinVar:

ClinVar aggregate classification (germline): Uncertain significance (1 of 4 stars; one submission).

Conditions:
Hereditary cancer-predisposing syndrome. Also called: Neoplastic Syndromes, Hereditary; Tumor predisposition; Hereditary neoplastic syndrome; Hereditary Cancer Syndrome. Identifiers: Orphanet 140162, MedGen C0027672, MeSH D009386, MONDO:0015356.

Submission:

Ambry Genetics
Classification: Uncertain significance for Hereditary cancer-predisposing syndrome. Last evaluated: 2024-05-08. Review status: criteria provided, single submitter. Criteria: Ambry Variant Classification Scheme 2023. Collection method: clinical testing. Allele origin: germline.
Comment: The c.72_95dup24 variant (also known as p.A26_G33dup), located in coding exon 1 of the SMARCA4 gene, results from an in-frame duplication of 24 nucleotides at nucleotide positions 72 to 95. This results in the duplication of 8 extra residues (AMLGPSPG) between codons 26 and 33. This amino acid region is well conserved in available vertebrate species. In addition, this alteration is predicted to be neutral by in silico analysis (Choi Y et al. PLoS ONE. 2012; 7(10):e46688). Based on the available evidence, the clinical significance of this variant remains unclear.

NM_003072.5(SMARCA4):c.72_95dup (p.Gly33_Pro34insAlaMetLeuGlyProSerProGly)

Gene: SMARCA4 (SWI/SNF related BAF chromatin remodeling complex subunit ATPase 4; plus strand). Cytogenetic location: 19p13.2.
Variant type: Duplication.
Coding change: c.72_95dup on transcript NM_003072.5 (MANE Select); coding-DNA positions 72 to 95, 24 bases duplicated (TGGAGCCATGCTGGGCCCTAGCCC).
Protein change: p.Gly33_Pro34insAlaMetLeuGlyProSerProGly.
Molecular consequence: inframe insertion. On other transcripts: non-coding transcript variant (1).
Genome position (GRCh38, 1-based): chr19:10,984,223-10,984,246, TGGAGCCATGCTGGGCCCTAGCCC duplicated; duplicating any 24 consecutive bases within chr19:10,984,220-10,984,246 gives the same sequence; the c. name uses the placement nearest the transcript's 3' end. VCF-style (leftmost placement, unchanged base first): chr19-10984219-C-CCCCTGGAGCCATGCTGGGCCCTAG. GRCh37 (hg19) VCF-style: chr19-11094895-C-CCCCTGGAGCCATGCTGGGCCCTAG.
Other names: c.72_95dup, p.Gly33_Pro34insAlaMetLeuGlyProSerProGly (NM_001128844.3, NM_001128845.2, NM_001128846.2 and 6 more transcripts).
Identifiers: ClinVar variation 3320727 (VCV003320727.1).